The following is an entry in ClinVar:

ClinVar aggregate classification (germline): Uncertain significance (1 of 4 stars; one submission).

Conditions:
Tumor predisposition syndrome 3 (TPDS3). Also called: Melanoma, cutaneous malignant, susceptibility to, 10; Glioma susceptibility 9; LONG TELOMERE SYNDROME, POT1-RELATED; POT1 Tumor Predisposition. Identifiers: Orphanet 618, MedGen C4014476, MONDO:0014368, OMIM 615848.

Submission:

Labcorp Genetics (formerly Invitae), Labcorp
Classification: Uncertain significance for Melanoma, cutaneous malignant, susceptibility to, 10. Last evaluated: 2018-12-03. Review status: criteria provided, single submitter. Criteria: Invitae Variant Classification Sherloc (09022015). Collection method: clinical testing. Allele origin: germline.
Comment: This sequence change replaces asparagine with serine at codon 449 of the POT1 protein (p.Asn449Ser). The asparagine residue is weakly conserved and there is a small physicochemical difference between asparagine and serine. This variant is not present in population databases (ExAC no frequency). This variant has not been reported in the literature in individuals with POT1-related conditions. Algorithms developed to predict the effect of missense changes on protein structure and function output the following: SIFT: "Tolerated"; PolyPhen-2: "Benign"; Align-GVGD: "Class C0". The serine amino acid residue is found in multiple mammalian species, suggesting that this missense change does not adversely affect protein function. These predictions have not been confirmed by published functional studies and their clinical significance is uncertain. Algorithms developed to predict the effect of sequence changes on RNA splicing suggest that this variant may create or strengthen a splice site, but this prediction has not been confirmed by published transcriptional studies. In summary, the available evidence is currently insufficient to determine the role of this variant in disease. Therefore, it has been classified as a Variant of Uncertain Significance.

NM_015450.3(POT1):c.1346A>G (p.Asn449Ser)

Gene: POT1 (protection of telomeres 1; minus strand). Cytogenetic location: 7q31.33.
Variant type: single nucleotide variant.
Coding change: c.1346A>G on transcript NM_015450.3 (MANE Select); coding-DNA position 1346, A replaced by G.
Protein change: p.Asn449Ser; replaces asparagine 449 with serine.
Molecular consequence: missense variant. On other transcripts: non-coding transcript variant (3).
Genome position (GRCh38, 1-based): chr7:124,840,996, T>C on the plus strand (A>G on the coding strand, the complement: POT1 is on the minus strand). VCF-style: chr7-124840996-T-C. GRCh37 (hg19) VCF-style: chr7-124481050-T-C.
Other names: c.953A>G, p.Asn318Ser (NM_001042594.2); short protein forms N449S, N318S.
Identifiers: ClinVar variation 642569 (VCV000642569.1), dbSNP rs1584757117, ClinGen allele CA369066702.